The following is an entry in ClinVar:

NM_001377.3(DYNC2H1):c.7174T>A (p.Leu2392Met)

Gene: DYNC2H1 (dynein cytoplasmic 2 heavy chain 1; plus strand). Cytogenetic location: 11q22.3.
Variant type: single nucleotide variant.
Coding change: c.7174T>A on transcript NM_001377.3 (MANE Select); coding-DNA position 7174, T replaced by A.
Protein change: p.Leu2392Met; replaces leucine 2392 with methionine.
Molecular consequence: missense variant.
Genome position (GRCh38, 1-based): chr11:103,188,530, T>A. VCF-style: chr11-103188530-T-A. GRCh37 (hg19) VCF-style: chr11-103059259-T-A.
Other names: c.7174T>A, p.Leu2392Met (NM_001080463.2); short protein forms L2392M.
Identifiers: ClinVar variation 3608028 (VCV003608028.1).

ClinVar aggregate classification (germline): Uncertain significance (1 of 4 stars; one submission).

Conditions:
Jeune thoracic dystrophy. Also called: Short-rib thoracic dysplasia; Jeune syndrome; Infantile thoracic dystrophy; Thoracic pelvic phalangeal dystrophy; Jeune's syndrome; Chondroectodermal dysplasia-like syndrome. Identifiers: Orphanet 474, MedGen C0265275, MONDO:0018770.

gnomAD v4.1: 2 of 1,607,654 alleles (0.00012%); highest among the groups gnomAD compares: Admixed American, 0.0033%; no homozygotes.

Submission:

Labcorp Genetics (formerly Invitae), Labcorp
Classification: Uncertain significance for Jeune thoracic dystrophy. Last evaluated: 2024-03-04. Review status: criteria provided, single submitter. Criteria: Invitae Variant Classification Sherloc (09022015). Collection method: clinical testing. Allele origin: germline.
Comment: This sequence change replaces leucine, which is neutral and non-polar, with methionine, which is neutral and non-polar, at codon 2392 of the DYNC2H1 protein (p.Leu2392Met). This variant is present in population databases (no rsID available, gnomAD 0.003%). This variant has not been reported in the literature in individuals affected with DYNC2H1-related conditions. Advanced modeling of protein sequence and biophysical properties (such as structural, functional, and spatial information, amino acid conservation, physicochemical variation, residue mobility, and thermodynamic stability) has been performed at Invitae for this missense variant, however the output from this modeling did not meet the statistical confidence thresholds required to predict the impact of this variant on DYNC2H1 protein function. In summary, the available evidence is currently insufficient to determine the role of this variant in disease. Therefore, it has been classified as a Variant of Uncertain Significance.